The following is an entry in ClinVar:

NM_170675.5(MEIS2):c.644CTT[2] (p.Ser217del)

Gene: MEIS2 (Meis homeobox 2; minus strand). Cytogenetic location: 15q14.
Variant type: Microsatellite.
Coding change: c.644CTT[2] on transcript NM_170675.5 (MANE Select); two copies in a row of the 3-base unit CTT starting at c.644; the reference has three copies in a row; one copy, 3 bases deleted.
Protein change: p.Ser217del; deletes serine 217.
Molecular consequence: inframe deletion. On other transcripts: non-coding transcript variant (1).
Genome position (GRCh38, 1-based): chr15:37,083,873-37,083,875, AAG deleted on the plus strand (CTT on the coding strand, the reverse complement: MEIS2 is on the minus strand); deleting any 3 consecutive bases within chr15:37,083,873-37,083,881 gives the same sequence; the position shown is the placement nearest the transcript's 3' end. VCF-style (leftmost placement, unchanged base first): chr15-37083872-CAAG-C. GRCh37 (hg19) VCF-style: chr15-37376073-CAAG-C.
Other names: c.644CTT[2], p.Ser217del (NM_170674.5, NM_170676.5, NM_170677.5 and 1 more transcripts); c.605CTT[2], p.Ser204del (NM_172315.3, NM_002399.4); c.380CTT[2], p.Ser129del (NM_172316.3); short protein forms S204del, S129del, S217del.
Identifiers: ClinVar variation 2315064 (VCV002315064.2), dbSNP rs2505162581, ClinGen allele CA2575672603.

ClinVar aggregate classification (germline): Uncertain significance (1 of 4 stars; one submission).

Conditions:
Inborn genetic diseases. Identifiers: MedGen C0950123, MeSH D030342.

Submission:

Ambry Genetics
Classification: Uncertain significance for Inborn genetic diseases. Last evaluated: 2022-11-30. Review status: criteria provided, single submitter. Criteria: Ambry Variant Classification Scheme 2023. Collection method: clinical testing. Allele origin: germline.
Comment: The c.650_652delCTT (p.S217del) alteration is located in exon 7 (coding exon 7) of the MEIS2 gene. This alteration consists of an in-frame deletion of 3 nucleotides between nucleotide positions c.650 and c.652, resulting in the deletion of <NA> residues. Based on insufficient or conflicting evidence, the clinical significance of this alteration remains unclear.